The following is an entry in ClinVar:

NM_001042472.3(ABHD12):c.71G>A (p.Gly24Asp)

Genes: ABHD12 (abhydrolase domain containing 12, lysophospholipase; minus strand), LOC130065586 (ATAC-STARR-seq lymphoblastoid silent region 12752; plus strand). Cytogenetic location: 20p11.21.
Variant type: single nucleotide variant.
Coding change: c.71G>A on transcript NM_001042472.3 (MANE Select); coding-DNA position 71, G replaced by A.
Protein change: p.Gly24Asp; replaces glycine 24 with aspartic acid.
Molecular consequence: missense variant.
Genome position (GRCh38, 1-based): chr20:25,390,633, C>T on the plus strand (G>A on the coding strand, the complement: ABHD12 is on the minus strand). VCF-style: chr20-25390633-C-T. GRCh37 (hg19) VCF-style: chr20-25371269-C-T.
Other names: c.71G>A, p.Gly24Asp (NM_015600.5); short protein forms G24D.
Identifiers: ClinVar variation 1917190 (VCV001917190.5), dbSNP rs772264792, ClinGen allele CA313686169.

ClinVar aggregate classification (germline): Uncertain significance (1 of 4 stars; one submission).

Allele frequency attached by ClinVar (database versions not stated): TOPMed below 0.00001.

Submission:

Labcorp Genetics (formerly Invitae), Labcorp
Classification: Uncertain significance. Last evaluated: 2022-08-20. Review status: criteria provided, single submitter. Criteria: Invitae Variant Classification Sherloc (09022015). Collection method: clinical testing. Allele origin: germline.
Comment: Algorithms developed to predict the effect of missense changes on protein structure and function are either unavailable or do not agree on the potential impact of this missense change (SIFT: "Deleterious"; PolyPhen-2: "Benign"; Align-GVGD: "Class C0"). In summary, the available evidence is currently insufficient to determine the role of this variant in disease. Therefore, it has been classified as a Variant of Uncertain Significance. This variant has not been reported in the literature in individuals affected with ABHD12-related conditions. This variant is not present in population databases (gnomAD no frequency). This sequence change replaces glycine, which is neutral and non-polar, with aspartic acid, which is acidic and polar, at codon 24 of the ABHD12 protein (p.Gly24Asp).